The following is an entry in ClinVar:

ClinVar aggregate classification (germline): Likely benign. Review status: criteria provided, multiple submitters, no conflicts (2 of 4 stars). 2 submissions from 2 submitters: Likely benign (2). Last evaluated 2025-10-01.

Allele frequency attached by ClinVar (database versions not stated): ExAC 0.00001; gnomAD exomes 0.00001; TOPMed 0.00001; gnomAD 0.00004.
gnomAD v4.1: 24 of 1,613,990 alleles (0.0015%); highest among the groups gnomAD compares: Non-Finnish European, 0.0019%; no homozygotes.

Submissions (2):

CeGaT Center for Human Genetics Tuebingen
Classification: Likely benign. Last evaluated: 2025-10-01. Review status: criteria provided, single submitter. Criteria: CeGaT Center For Human Genetics Tuebingen Variant Classification Criteria Version 2. Collection method: clinical testing. Allele origin: germline. Affected: yes. Observed: 1 variant allele.
Comment: NSUN2: BP4, BP7

Labcorp Genetics (formerly Invitae), Labcorp
Classification: Likely benign. Last evaluated: 2025-03-17. Review status: criteria provided, single submitter. Criteria: Invitae Variant Classification Sherloc (09022015). Collection method: clinical testing. Allele origin: germline.

NM_017755.6(NSUN2):c.129G>A (p.Lys43=)

Gene: NSUN2 (NOP2/Sun RNA methyltransferase 2; minus strand). Cytogenetic location: 5p15.31.
Variant type: single nucleotide variant.
Coding change: c.129G>A on transcript NM_017755.6 (MANE Select); coding-DNA position 129, G replaced by A.
Protein change: p.Lys43=; no amino-acid change (lysine 43 retained).
Molecular consequence: synonymous variant. On other transcripts: non-coding transcript variant (1).
Genome position (GRCh38, 1-based): chr5:6,632,724, C>T on the plus strand (G>A on the coding strand, the complement: NSUN2 is on the minus strand). VCF-style: chr5-6632724-C-T. GRCh37 (hg19) VCF-style: chr5-6632837-C-T.
Other names: c.129G>A, p.Lys43= (NM_001193455.2).
Identifiers: ClinVar variation 2976008 (VCV002976008.9), dbSNP rs764300435, ClinGen allele CA3192920.